The following is an entry in ClinVar:

NM_030632.3(ASXL3):c.4534C>T (p.Gln1512Ter)

Gene: ASXL3 (ASXL transcriptional regulator 3; plus strand). Cytogenetic location: 18q12.1.
Variant type: single nucleotide variant.
Coding change: c.4534C>T on transcript NM_030632.3 (MANE Select); coding-DNA position 4534, C replaced by T.
Protein change: p.Gln1512Ter; replaces glutamine 1512 with a stop codon.
Molecular consequence: nonsense.
Genome position (GRCh38, 1-based): chr18:33,744,382, C>T. VCF-style: chr18-33744382-C-T. GRCh37 (hg19) VCF-style: chr18-31324346-C-T.
Other names: short protein forms Q1512*.
Identifiers: ClinVar variation 2499729 (VCV002499729.1), dbSNP rs2510928763, ClinGen allele CA402191136.

ClinVar aggregate classification (germline): Pathogenic (1 of 4 stars; one submission).

Submission:

GeneDx
Classification: Pathogenic. Last evaluated: 2022-10-18. Review status: criteria provided, single submitter. Criteria: GeneDx Variant Classification Process June 2021. Collection method: clinical testing. Allele origin: germline. Affected: yes.
Comment: Nonsense variant predicted to result in protein truncation, as the last 737 amino acids are lost, and other loss-of-function variants have been reported downstream in HGMD; Not observed at significant frequency in large population cohorts (gnomAD); This variant is associated with the following publications: (PMID: 34436830, 36177608)